The following is an entry in ClinVar:

ClinVar aggregate classification (germline): Uncertain significance. Review status: criteria provided, single submitter (1 of 4 stars). 2 submissions from 2 submitters: Uncertain significance (1). 1 of the submissions does not count toward it. Last evaluated 2025-02-11.

Conditions:
Congenital myasthenic syndrome 4A. Also called: Myasthenic syndrome, congenital, 4a, slow-channel; CONGENITAL MYASTHENIC SYNDROME TYPE Ia1; MYASTHENIC SYNDROME, CONGENITAL, 4A, SLOW-CHANNEL, AUTOSOMAL RECESSIVE. Identifiers: Orphanet 590, MedGen C4225413, MONDO:0011600, OMIM 605809.
Congenital myasthenic syndrome (CMS). Also called: Congenital Myasthenic Syndromes. Identifiers: Orphanet 590, MedGen C0751882, MeSH D020294, MONDO:0018940.

Allele frequency attached by ClinVar (database versions not stated): gnomAD exomes below 0.00001 and 0.00001; gnomAD 0.00002 and 0.00003; ExAC 0.00003; TOPMed 0.00005; 1000 Genomes Project 30x 0.00016; 1000 Genomes Project 0.00020.

Submissions (2):

Labcorp Genetics (formerly Invitae), Labcorp
Classification: Uncertain significance for Congenital myasthenic syndrome 4A. Last evaluated: 2025-02-11. Review status: criteria provided, single submitter. Criteria: Invitae Variant Classification Sherloc (09022015). Collection method: clinical testing. Allele origin: germline.
Comment: This sequence change replaces proline, which is neutral and non-polar, with serine, which is neutral and polar, at codon 295 of the CHRNE protein (p.Pro295Ser). This variant is present in population databases (rs61735425, gnomAD 0.02%). This variant has not been reported in the literature in individuals affected with CHRNE-related conditions. ClinVar contains an entry for this variant (Variation ID: 576332). Invitae Evidence Modeling of protein sequence and biophysical properties (such as structural, functional, and spatial information, amino acid conservation, physicochemical variation, residue mobility, and thermodynamic stability) indicates that this missense variant is expected to disrupt CHRNE protein function with a positive predictive value of 95%. In summary, the available evidence is currently insufficient to determine the role of this variant in disease. Therefore, it has been classified as a Variant of Uncertain Significance.

Natera, Inc.
Classification: Uncertain significance for Congenital myasthenic syndrome. Last evaluated: 2019-10-28. Review status: no assertion criteria provided. Collection method: clinical testing. Allele origin: germline. Not counted in ClinVar's aggregate classification.

NM_000080.4(CHRNE):c.883C>T (p.Pro295Ser)

Genes: C17orf107 (chromosome 17 open reading frame 107; plus strand), CHRNE (cholinergic receptor nicotinic epsilon subunit; minus strand). Cytogenetic location: 17p13.2.
Variant type: single nucleotide variant.
Coding change: c.883C>T on transcript NM_000080.4 (MANE Select); coding-DNA position 883, C replaced by T.
Protein change: p.Pro295Ser; replaces proline 295 with serine.
Molecular consequence: missense variant. On other transcripts: 3 prime UTR variant (1).
Genome position (GRCh38, 1-based): chr17:4,900,827, G>A on the plus strand (C>T on the coding strand, the complement: CHRNE is on the minus strand). VCF-style: chr17-4900827-G-A. GRCh37 (hg19) VCF-style: chr17-4804122-G-A.
Other names: c.*294G>A (NM_001145536.2); short protein forms P295S.
Identifiers: ClinVar variation 576332 (VCV000576332.6), dbSNP rs61735425, ClinGen allele CA8314221.
Genomic context (GRCh38, chr17:4,900,827, plus strand): 5'-CACCCCCGCGGGGGCTCCGGCTTCACCTGCCCAGGAGCGGCACGCTCAGAGAAGTCTCTG[G>A]GATTTTCTGGGCAATGAGGAACAAGAAGACGGTCTGGGCGAGCAGGACGTTGATGGAGAC-3'
Protein context (NP_000071.1, residues 285-305): VFLFLIAQKI[Pro295Ser]ETSLSVPLLG